The following is an entry in ClinVar:

ClinVar aggregate classification (germline): Uncertain significance (1 of 4 stars; one submission).

Submission:

Labcorp Genetics (formerly Invitae), Labcorp
Classification: Uncertain significance. Last evaluated: 2024-10-31. Review status: criteria provided, single submitter. Criteria: Invitae Variant Classification Sherloc (09022015). Collection method: clinical testing. Allele origin: germline.
Comment: This sequence change affects an acceptor splice site in intron 22 of the POLE gene. It is expected to disrupt RNA splicing. Variants that disrupt the donor or acceptor splice site typically lead to a loss of protein function (PMID: 16199547), and loss-of-function variants in POLE are known to be pathogenic (PMID: 23230001, 25948378, 30503519). This variant is not present in population databases (gnomAD no frequency). This variant has not been reported in the literature in individuals affected with POLE-related conditions. Studies have shown that disruption of this splice site is associated with altered splicing resulting in multiple RNA products (internal data). In summary, the available evidence is currently insufficient to determine the role of this variant in disease. Therefore, it has been classified as a Variant of Uncertain Significance.

Literature cited by the submitters: PubMed 16199547; PubMed 23230001; PubMed 25948378; PubMed 30503519.

NM_006231.4(POLE):c.2562-2A>T

Gene: POLE (DNA polymerase epsilon, catalytic subunit; minus strand). Cytogenetic location: 12q24.33.
Variant type: single nucleotide variant.
Coding change: c.2562-2A>T on transcript NM_006231.4 (MANE Select); the canonical splice acceptor site of the intron before coding-DNA position 2562, A replaced by T.
Molecular consequence: splice acceptor variant.
Genome position (GRCh38, 1-based): chr12:132,664,150, T>A on the plus strand (A>T on the coding strand, the complement: POLE is on the minus strand). VCF-style: chr12-132664150-T-A. GRCh37 (hg19) VCF-style: chr12-133240736-T-A.
Identifiers: ClinVar variation 3724350 (VCV003724350.2).